The following is an entry in ClinVar:

ClinVar aggregate classification (germline): Likely benign (1 of 4 stars; one submission).

Submission:

CeGaT Center for Human Genetics Tuebingen
Classification: Likely benign. Last evaluated: 2024-04-01. Review status: criteria provided, single submitter. Criteria: CeGaT Center For Human Genetics Tuebingen Variant Classification Criteria Version 2. Collection method: clinical testing. Allele origin: germline. Affected: yes. Observed: 2 variant alleles.
Comment: MTMR2: BS2

NM_016156.6(MTMR2):c.186+5624TTTTA[5]

Gene: MTMR2 (myotubularin related protein 2; minus strand). Cytogenetic location: 11q21.
Variant type: Microsatellite.
Coding change: c.186+5624TTTTA[5] on transcript NM_016156.6 (MANE Select); five copies in a row of the 5-base unit TTTTA starting at c.186+5624; the reference has seven copies in a row; two copies, 10 bases deleted.
Molecular consequence: intron variant. On other transcripts: splice acceptor variant (2).
Genome position (GRCh38, 1-based): chr11:95,882,498-95,882,507, TAAAATAAAA deleted on the plus strand (TTTTATTTTA on the coding strand, the reverse complement: MTMR2 is on the minus strand); deleting any 10 consecutive bases within chr11:95,882,498-95,882,535 gives the same sequence; the position shown is the placement nearest the transcript's 3' end. VCF-style (leftmost placement, unchanged base first): chr11-95882497-CTAAAATAAAA-C. GRCh37 (hg19) VCF-style: chr11-95615661-CTAAAATAAAA-C.
Other names: c.-31+5624TTTTA[5] (NM_201281.3); c.-153-36TTTTA[5] (NM_201278.3, NM_001243571.2).
Identifiers: ClinVar variation 2642306 (VCV002642306.24), dbSNP rs112378876, ClinGen allele CA600876864.